The following is an entry in ClinVar:

ClinVar aggregate classification (germline): Benign/Likely benign. Review status: criteria provided, multiple submitters, no conflicts (2 of 4 stars). 8 submissions from 8 submitters: Benign (4); Likely benign (3). 1 of the submissions does not count toward it. Last evaluated 2026-02-01.

Conditions:
Autosomal dominant aplasia and myelodysplasia. Also called: Bone marrow failure syndrome 1. Identifiers: Orphanet 314399, MedGen C3808553, MONDO:0013851, OMIM 614675.

Allele frequency attached by ClinVar (database versions not stated): ESP Exome Variant Server 0.00585; 1000 Genomes Project 0.00779; 1000 Genomes Project 30x 0.00781; TOPMed 0.00873.
gnomAD v4.1: 2,141 of 1,561,500 alleles (0.14%); highest among the groups gnomAD compares: African/African-American, 2.5%; 32 homozygotes.

Submissions (8):

Labcorp Genetics (formerly Invitae), Labcorp
Classification: Benign. Last evaluated: 2026-02-01. Review status: criteria provided, single submitter. Criteria: Invitae Variant Classification Sherloc (09022015). Collection method: clinical testing. Allele origin: germline.

ARUP Laboratories, Molecular Genetics and Genomics, ARUP Laboratories
Classification: Benign for Autosomal dominant aplasia and myelodysplasia. Last evaluated: 2024-07-30. Review status: criteria provided, single submitter. Criteria: ARUP Molecular Germline Variant Investigation Process 2024. Collection method: clinical testing. Allele origin: germline.

GeneDx
Classification: Likely benign. Last evaluated: 2021-04-08. Review status: criteria provided, single submitter. Criteria: GeneDx Variant Classification Process June 2021. Collection method: clinical testing. Allele origin: germline. Affected: yes.

Illumina Laboratory Services, Illumina
Classification: Benign for Autosomal dominant aplasia and myelodysplasia. Last evaluated: 2018-01-13. Review status: criteria provided, single submitter. Criteria: ICSL Variant Classification Criteria 13 December 2019. Collection method: clinical testing. Allele origin: germline.
Comment: This variant was observed in the ICSL laboratory as part of a predisposition screen in an ostensibly healthy population. It had not been previously curated by ICSL or reported in the Human Gene Mutation Database (HGMD: prior to June 1st, 2018), and was therefore a candidate for classification through an automated scoring system. Utilizing variant allele frequency, disease prevalence and penetrance estimates, and inheritance mode, an automated score was calculated to assess if this variant is too frequent to cause the disease. Based on the score and internal cut-off values, a variant classified as benign is not then subjected to further curation. The score for this variant resulted in a classification of benign for this disease.

Center for Pediatric Genomic Medicine, Children's Mercy Hospital and Clinics
Classification: Likely benign. Last evaluated: 2017-02-08. Review status: criteria provided, single submitter. Criteria: ACMG Guidelines, 2015. Collection method: clinical testing. Allele origin: germline.
ClinVar note: Converted during submission from Likely Benign to Likely benign.

Genetic Services Laboratory, University of Chicago
Classification: Benign. Last evaluated: 2017-01-09. Review status: criteria provided, single submitter. Criteria: ACMG Guidelines, 2015. Collection method: clinical testing. Allele origin: germline. Affected: no.

Breakthrough Genomics
Classification: Likely benign. Review status: criteria provided, single submitter. Criteria: ACMG Guidelines, 2015. Collection method: not provided. Allele origin: germline. Inheritance: Autosomal dominant inheritance. Affected: yes.

Department of Pathology and Laboratory Medicine, Sinai Health System
Classification: Likely benign. Review status: no assertion criteria provided. Collection method: clinical testing. Allele origin: unknown. Affected: yes. Study: The Canadian Open Genetics Repository (COGR). Not counted in ClinVar's aggregate classification.
Comment: The SRP72 p.Gly7Ala variant was not identified in the literature or in the Cosmic database but was identified in dbSNP (ID: rs139502866), ClinVar (reported benign and likely benign) and LOVD 3.0. The variant was identified in control databases in 547 of 230982 chromosomes (8 homozygous) at a frequency of 0.002368 increasing the likelihood this could be a low frequency benign variant (Genome Aggregation Database Feb 27, 2017). The variant was observed in the following populations: African in 481 of 19916 chromosomes (freq: 0.02415), Latino in 46 of 25576 chromosomes (freq: 0.001799), Other in 6 of 5494 chromosomes (freq: 0.001092), South Asian in 3 of 25530 chromosomes (freq: 0.000118), European (non-Finnish) in 11 of 108258 chromosomes (freq: 0.000102), but was not observed in the Ashkenazi Jewish, East Asian, and European (Finnish) populations. The p.Gly7 residue is conserved in mammals but not in more distantly related organisms however four out of five computational analyses (PolyPhen-2, SIFT, AlignGVGD, and BLOSUM) do not suggest a high likelihood of impact to the protein; this information is not predictive enough to rule out pathogenicity. In summary, based on the above information the clinical significance of this variant cannot be determined with certainty at this time although we would lean towards a more benign role for this variant. This variant is classified as likely benign.

NM_006947.4(SRP72):c.20G>C (p.Gly7Ala)

Genes: SRP72 (signal recognition particle 72; plus strand), LOC129992625 (ATAC-STARR-seq lymphoblastoid active region 21580; plus strand). Cytogenetic location: 4q12.
Variant type: single nucleotide variant.
Coding change: c.20G>C on transcript NM_006947.4 (MANE Select); coding-DNA position 20, G replaced by C.
Protein change: p.Gly7Ala; replaces glycine 7 with alanine.
Molecular consequence: missense variant. On other transcripts: non-coding transcript variant (1).
Genome position (GRCh38, 1-based): chr4:56,467,655, G>C. VCF-style: chr4-56467655-G-C. GRCh37 (hg19) VCF-style: chr4-57333821-G-C.
Other names: c.20G>C, p.Gly7Ala (NM_001267722.2); short protein forms G7A.
Identifiers: ClinVar variation 377137 (VCV000377137.25), dbSNP rs139502866, ClinGen allele CA2930922.